The following is an entry in ClinVar:

NM_005251.3(FOXC2):c.130del (p.His44fs)

Genes: FOXC2 (forkhead box C2; plus strand), FOXC2-AS1 (FOXC2 antisense RNA 1; minus strand). Cytogenetic location: 16q24.1.
Variant type: Deletion.
Coding change: c.130del on transcript NM_005251.3 (MANE Select); coding-DNA position 130, one base deleted (C; older notation c.130delC).
Protein change: p.His44fs; shifts the reading frame from histidine 44.
Molecular consequence: frameshift variant.
Genome position (GRCh38, 1-based): chr16:86,567,465, C deleted; the last of 2 consecutive C bases (chr16:86,567,464-86,567,465); deleting either gives the same sequence. VCF-style (leftmost placement, unchanged base first): chr16-86567463-GC-G. GRCh37 (hg19) VCF-style: chr16-86601069-GC-G.
Other names: short protein forms H44fs.
Identifiers: ClinVar variation 449991 (VCV000449991.3), dbSNP rs1555531276, ClinGen allele CA658658509.
Genomic context (GRCh38, chr16:86,567,463, plus strand): 5'-ATTACTACCGGGCTGCGGGCAGCTACGGCGGCATGGCCAGCCCCATGGGCGTCTATTCCG[GC>G]CACCCGGAGCAGTACAGCGCGGGGATGGGCCGCTCCTACGCGCCCTACCACCACCACCAG-3'

ClinVar aggregate classification (germline): Conflicting classifications of pathogenicity. Review status: criteria provided, conflicting classifications (1 of 4 stars). 2 submissions from 2 submitters: Pathogenic (1); Uncertain significance (1). Last evaluated 2024-10-04.

Conditions:
Distichiasis-lymphedema syndrome. Also called: LYMPHEDEMA WITH DISTICHIASIS. Identifiers: Orphanet 33001, MedGen C0265345, MONDO:0007922, OMIM 153400.

Submissions (2):

MVZ Medizinische Genetik Mainz
Classification: Uncertain significance for Distichiasis-lymphedema syndrome. Last evaluated: 2024-10-04. Review status: criteria provided, single submitter. Criteria: UK Practice Guidelines For Variant Classification V4 01 2020. Collection method: clinical testing. Allele origin: germline. Inheritance: Autosomal dominant inheritance. Affected: yes. Observed: 1 variant allele.
Comment: ACMG Criteria: PVS1_STR,PM2_SUP

GeneDx
Classification: Pathogenic. Last evaluated: 2017-06-06. Review status: criteria provided, single submitter. Criteria: GeneDx Variant Classification (06012015). Collection method: clinical testing. Allele origin: germline. Affected: yes.
Comment: The c.130delC variant in the FOXC2 gene has not been reported previously as a pathogenic variant nor as a benign variant, to our knowledge. This variant causes a frameshift starting with codon Histidine 44, changes this amino acid to a Threonine residue, and creates a premature Stop codon at position 28 of the new reading frame, denoted p.His44Thrfs28. This variant is predicted to cause loss of normal protein function through protein truncation, as the last 458 amino acids are replaced with 27 incorrect residues. The c.130delC variant is not observed in large population cohorts (Lek et al., 2016; 1000 Genomes Consortium et al., 2015; Exome Variant Server). We interpret c.130delC as a pathogenic variant.